The following is an entry in ClinVar:

ClinVar aggregate classification (germline): Uncertain significance (1 of 4 stars; one submission).

gnomAD v4.1: 7 of 1,614,186 alleles (0.00043%); highest among the groups gnomAD compares: Non-Finnish European, 0.00059%; no homozygotes.

Submission:

Ambry Genetics
Classification: Uncertain significance. Last evaluated: 2024-01-16. Review status: criteria provided, single submitter. Criteria: Ambry Variant Classification Scheme 2023. Collection method: clinical testing. Allele origin: germline.
Comment: The p.E493Q variant (also known as c.1477G>C), located in coding exon 3 of the ALPK2 gene, results from a G to C substitution at nucleotide position 1477. The glutamic acid at codon 493 is replaced by glutamine, an amino acid with highly similar properties. This amino acid position is conserved. In addition, this alteration is predicted to be tolerated by in silico analysis. Since supporting evidence is limited at this time, the clinical significance of this alteration remains unclear.

NM_052947.4(ALPK2):c.1477G>C (p.Glu493Gln)

Gene: ALPK2 (alpha kinase 2; minus strand). Cytogenetic location: 18q21.31.
Variant type: single nucleotide variant.
Coding change: c.1477G>C on transcript NM_052947.4 (MANE Select); coding-DNA position 1477, G replaced by C.
Protein change: p.Glu493Gln; replaces glutamic acid 493 with glutamine.
Molecular consequence: missense variant.
Genome position (GRCh38, 1-based): chr18:58,579,299, C>G on the plus strand (G>C on the coding strand, the complement: ALPK2 is on the minus strand). VCF-style: chr18-58579299-C-G. GRCh37 (hg19) VCF-style: chr18-56246531-C-G.
Other names: short protein forms E493Q.
Identifiers: ClinVar variation 3228573 (VCV003228573.1), dbSNP rs757582251, ClinGen allele CA8977248.
Genomic context (GRCh38, chr18:58,579,299, plus strand): 5'-CCCAACACTGGCTCATCCCTGAGTTTTCTGACTCACCAGACAAGAGCTTCATCTCTGTCT[C>G]TCTTACTGATTCATCCATGTTGAGCAGATTGTCACTGGCAAATTCCTCTCTTGCTTGGTG-3'
Protein context (NP_443179.3, residues 483-503): NLLNMDESVR[Glu493Gln]TEMKLLSGES